The following is an entry in ClinVar:

NM_022173.4(TIA1):c.524G>A (p.Arg175Lys)

Gene: TIA1 (TIA1 cytotoxic granule associated RNA binding protein; minus strand). Cytogenetic location: 2p13.3.
Variant type: single nucleotide variant.
Coding change: c.524G>A on transcript NM_022173.4 (MANE Select); coding-DNA position 524, G replaced by A.
Protein change: p.Arg175Lys; replaces arginine 175 with lysine.
Molecular consequence: missense variant. On other transcripts: non-coding transcript variant (17).
Genome position (GRCh38, 1-based): chr2:70,216,945, C>T on the plus strand (G>A on the coding strand, the complement: TIA1 is on the minus strand). VCF-style: chr2-70216945-C-T. GRCh37 (hg19) VCF-style: chr2-70444077-C-T.
Other names: c.524G>A, p.Arg175Lys (NM_001351508.2, NM_001351516.2, NM_001351518.2); c.497G>A, p.Arg166Lys (NM_001351509.2); c.491G>A, p.Arg164Lys (NM_001351510.2, NM_022037.4); c.413G>A, p.Arg138Lys (NM_001351511.1); c.386G>A, p.Arg129Lys (NM_001351512.1); c.380G>A, p.Arg127Lys (NM_001351513.1); c.296G>A, p.Arg99Lys (NM_001351514.2); c.221G>A, p.Arg74Lys (NM_001351515.2); and 1 more; short protein forms R127K, R129K, R138K, R164K, R166K, R175K, R35K, R74K.
Identifiers: ClinVar variation 3339635 (VCV003339635.1).

ClinVar aggregate classification (germline): Uncertain significance (1 of 4 stars; one submission).

gnomAD v4.1: 1 of 1,613,848 alleles (0.000062%); highest among the groups gnomAD compares: Non-Finnish European, 0.000085%; no homozygotes.

Submission:

Women's Health and Genetics/Laboratory Corporation of America, LabCorp
Classification: Uncertain significance. Last evaluated: 2024-06-10. Review status: criteria provided, single submitter. Criteria: LabCorp Variant Classification Summary - May 2015. Collection method: clinical testing. Allele origin: germline.
Comment: Variant summary: TIA1 c.524G>A (p.Arg175Lys) results in a conservative amino acid change in the encoded protein sequence. Four of five in-silico tools predict a benign effect of the variant on protein function. The frequency data for this variant in gnomAD is considered unreliable, as metrics indicate poor data quality at this position. To our knowledge, no occurrence of c.524G>A in individuals affected with TIA1-Related Disorders and no experimental evidence demonstrating its impact on protein function have been reported. No submitters have cited clinical-significance assessments for this variant to ClinVar. Based on the evidence outlined above, the variant was classified as uncertain significance.